The following is an entry in ClinVar:

ClinVar aggregate classification (germline): Pathogenic (1 of 4 stars; one submission).

Conditions:
Arrhythmogenic cardiomyopathy with wooly hair and keratoderma. Also called: Arrhythmogenic cardiomyopathy with woolly hair and keratoderma; PALMOPLANTAR KERATODERMA WITH LEFT VENTRICULAR CARDIOMYOPATHY AND WOOLLY HAIR; Carvajal syndrome; Dilated cardiomyopathy with woolly hair and keratoderma. Identifiers: Orphanet 65282, MedGen C1854063, MONDO:0011581, OMIM 605676.
Arrhythmogenic right ventricular dysplasia 8 (ARVD8). Also called: Arrhythmogenic Right Ventricular Dysplasia/Cardiomyopathy 8; ARRHYTHMOGENIC RIGHT VENTRICULAR DYSPLASIA, FAMILIAL, 8; ARRHYTHMOGENIC RIGHT VENTRICULAR CARDIOMYOPATHY 8. Identifiers: MedGen C1843896, MONDO:0011831, OMIM 607450.

Submission:

Labcorp Genetics (formerly Invitae), Labcorp
Classification: Pathogenic for Arrhythmogenic cardiomyopathy with wooly hair and keratoderma; Arrhythmogenic right ventricular dysplasia 8. Last evaluated: 2025-07-28. Review status: criteria provided, single submitter. Criteria: Invitae Variant Classification Sherloc (09022015). Collection method: clinical testing. Allele origin: germline.
Comment: This sequence change creates a premature translational stop signal (p.Leu1178Tyrfs*19) in the DSP gene. It is expected to result in an absent or disrupted protein product. Loss-of-function variants in DSP are known to be pathogenic (PMID: 20716751, 24503780, 25227139). This variant is not present in population databases (gnomAD no frequency). This variant has not been reported in the literature in individuals affected with DSP-related conditions. ClinVar contains an entry for this variant (Variation ID: 3761854). For these reasons, this variant has been classified as Pathogenic.

Literature cited by the submitters: PubMed 20716751; PubMed 24503780; PubMed 25227139.

NM_004415.4(DSP):c.3529_3530dup (p.Leu1178fs)

Gene: DSP (desmoplakin; plus strand). Cytogenetic location: 6p24.3.
Variant type: Duplication.
Coding change: c.3529_3530dup on transcript NM_004415.4 (MANE Select); coding-DNA positions 3529 to 3530, 2 bases duplicated (CT; older notation c.3529_3530dupCT).
Protein change: p.Leu1178fs; shifts the reading frame from leucine 1178.
Molecular consequence: frameshift variant.
Genome position (GRCh38, 1-based): chr6:7,579,719-7,579,720, CT duplicated; duplicating any 2 consecutive bases within chr6:7,579,718-7,579,720 gives the same sequence; the c. name uses the placement nearest the transcript's 3' end. VCF-style (leftmost placement, unchanged base first): chr6-7579717-T-TTC. GRCh37 (hg19) VCF-style: chr6-7579950-T-TTC.
Other names: c.3529_3530dup, p.Leu1178fs (NM_001008844.3, NM_001319034.2); short protein forms L1178fs.
Identifiers: ClinVar variation 3761854 (VCV003761854.2).